The following is an entry in ClinVar:

NM_006946.4(SPTBN2):c.5378G>A (p.Arg1793Gln)

Gene: SPTBN2 (spectrin beta, non-erythrocytic 2; minus strand). Cytogenetic location: 11q13.2.
Variant type: single nucleotide variant.
Coding change: c.5378G>A on transcript NM_006946.4 (MANE Select); coding-DNA position 5378, G replaced by A.
Protein change: p.Arg1793Gln; replaces arginine 1793 with glutamine.
Molecular consequence: missense variant.
Genome position (GRCh38, 1-based): chr11:66,691,471, C>T on the plus strand (G>A on the coding strand, the complement: SPTBN2 is on the minus strand). VCF-style: chr11-66691471-C-T. GRCh37 (hg19) VCF-style: chr11-66458942-C-T.
Other names: c.5399G>A, p.Arg1800Gln (NM_001411025.1); c.5378G>A (NM_006946.2); short protein forms R1793Q, R1800Q.
Identifiers: ClinVar variation 1942107 (VCV001942107.6), dbSNP rs1246473144, ClinGen allele CA381465350.

ClinVar aggregate classification (germline): Uncertain significance. Review status: criteria provided, multiple submitters, no conflicts (2 of 4 stars). 2 submissions from 2 submitters: Uncertain significance (2). Last evaluated 2024-12-02.

Allele frequency attached by ClinVar (database versions not stated): TOPMed below 0.00001; gnomAD exomes 0.00001.
gnomAD v4.1: 10 of 1,611,830 alleles (0.00062%); highest among the groups gnomAD compares: East Asian, 0.0022%; no homozygotes.

Submissions (2):

Labcorp Genetics (formerly Invitae), Labcorp
Classification: Uncertain significance. Last evaluated: 2024-12-02. Review status: criteria provided, single submitter. Criteria: Invitae Variant Classification Sherloc (09022015). Collection method: clinical testing. Allele origin: germline.
Comment: This sequence change replaces arginine, which is basic and polar, with glutamine, which is neutral and polar, at codon 1793 of the SPTBN2 protein (p.Arg1793Gln). This variant is present in population databases (no rsID available, gnomAD 0.0009%). This variant has not been reported in the literature in individuals affected with SPTBN2-related conditions. ClinVar contains an entry for this variant (Variation ID: 1942107). Invitae Evidence Modeling of protein sequence and biophysical properties (such as structural, functional, and spatial information, amino acid conservation, physicochemical variation, residue mobility, and thermodynamic stability) indicates that this missense variant is expected to disrupt SPTBN2 protein function with a positive predictive value of 80%. In summary, the available evidence is currently insufficient to determine the role of this variant in disease. Therefore, it has been classified as a Variant of Uncertain Significance.

Athena Diagnostics
Classification: Uncertain significance. Last evaluated: 2023-05-17. Review status: criteria provided, single submitter. Criteria: Athena Diagnostics Criteria. Collection method: clinical testing. Allele origin: unknown.
Comment: Available data are insufficient to determine the clinical significance of the variant at this time. The frequency of this variant in the general population is uninformative in assessment of its pathogenicity. Computational tools disagree on the variant's effect on normal protein function.